The following is an entry in ClinVar:

ClinVar aggregate classification (germline): Likely benign (1 of 4 stars; one submission).

Conditions:
MACF1-related disorder. Also called: MACF1-related condition.

gnomAD v4.1: 36 of 1,614,040 alleles (0.0022%); highest among the groups gnomAD compares: East Asian, 0.02%; no homozygotes.

Submission:

PreventionGenetics, part of Exact Sciences
Classification: Likely benign for MACF1-related condition. Last evaluated: 2026-02-05. Review status: criteria provided, single submitter. Criteria: ACMG Guidelines, 2015. Collection method: clinical testing. Allele origin: germline.
Comment: This variant is classified as likely benign based on ACMG/AMP sequence variant interpretation guidelines (Richards et al. 2015 PMID: 25741868, with internal and published modifications).

NM_001394062.1(MACF1):c.2999G>A (p.Arg1000His)

Gene: MACF1 (microtubule actin crosslinking factor 1; plus strand). Cytogenetic location: 1p34.3.
Variant type: single nucleotide variant.
Coding change: c.2999G>A on transcript NM_001394062.1 (MANE Select); coding-DNA position 2999, G replaced by A.
Protein change: p.Arg1000His; replaces arginine 1000 with histidine.
Molecular consequence: missense variant.
Genome position (GRCh38, 1-based): chr1:39,310,327, G>A. VCF-style: chr1-39310327-G-A. GRCh37 (hg19) VCF-style: chr1-39775999-G-A.
Other names: c.3014G>A, p.Arg1005His (NM_012090.5); short protein forms R1005H, R1000H.
Identifiers: ClinVar variation 4981594 (VCV004981594.1).